The following is an entry in ClinVar:

NM_001085049.3(MRAS):c.369C>T (p.Leu123=)

Gene: MRAS (muscle RAS oncogene homolog; plus strand). Cytogenetic location: 3q22.3.
Variant type: single nucleotide variant.
Coding change: c.369C>T on transcript NM_001085049.3 (MANE Select); coding-DNA position 369, C replaced by T.
Protein change: p.Leu123=; no amino-acid change (leucine 123 retained).
Molecular consequence: synonymous variant.
Genome position (GRCh38, 1-based): chr3:138,398,490, C>T. VCF-style: chr3-138398490-C-T. GRCh37 (hg19) VCF-style: chr3-138117332-C-T.
Other names: p.Leu123=; c.369C>T, p.Leu123= (NM_001252090.2, NM_012219.4); c.141C>T, p.Leu47= (NM_001252091.1, NM_001252092.2, NM_001252093.2); c.369C>T (NM_012219.3).
Identifiers: ClinVar variation 1321384 (VCV001321384.12), dbSNP rs145069429, ClinGen allele CA2637009.
Genomic context (GRCh38, chr3:138,398,490, plus strand): 5'-GTGGAAACCTCACAGAGCTGCTGTTCCTTTATTTCCCAGGGAGTCATTCCCGATGATCCT[C>T]GTGGCCAACAAGGTCGATTTGATGCACTTGAGGAAGATCACCAGGGAGCAAGGAAAAGAA-3'
Protein context (NP_001078518.1, residues 113-133): VKDRESFPMI[Leu123=]VANKVDLMHL

ClinVar aggregate classification (germline): Benign/Likely benign. Review status: criteria provided, multiple submitters, no conflicts (2 of 4 stars). 4 submissions from 4 submitters: Benign (1); Likely benign (3). Last evaluated 2025-04-28.

Conditions:
Inborn genetic diseases. Identifiers: MedGen C0950123, MeSH D030342.

Allele frequency attached by ClinVar (database versions not stated): gnomAD 0.00002; TOPMed 0.00002; ExAC 0.00003; gnomAD exomes 0.00004; ESP Exome Variant Server 0.00015; 1000 Genomes Project 30x 0.00016; 1000 Genomes Project 0.00020.
gnomAD v4.1: 32 of 1,614,112 alleles (0.002%); highest among the groups gnomAD compares: Admixed American, 0.0067%; no homozygotes.

Submissions (4):

Labcorp Genetics (formerly Invitae), Labcorp
Classification: Likely benign. Last evaluated: 2025-04-28. Review status: criteria provided, single submitter. Criteria: Invitae Variant Classification Sherloc (09022015). Collection method: clinical testing. Allele origin: germline.

Mayo Clinic Laboratories, Mayo Clinic
Classification: Likely benign. Last evaluated: 2025-01-30. Review status: criteria provided, single submitter. Criteria: ACMG Guidelines, 2015. Collection method: clinical testing. Allele origin: germline. Observed: 1 variant allele.
Comment: BP4, BP7

Ambry Genetics
Classification: Likely benign for Inborn genetic diseases. Last evaluated: 2022-03-03. Review status: criteria provided, single submitter. Criteria: Ambry Variant Classification Scheme 2023. Collection method: clinical testing. Allele origin: germline.

Women's Health and Genetics/Laboratory Corporation of America, LabCorp
Classification: Benign. Last evaluated: 2021-10-17. Review status: criteria provided, single submitter. Criteria: LabCorp Variant Classification Summary - May 2015. Collection method: clinical testing. Allele origin: germline.